The following is an entry in ClinVar:

NM_000380.4(XPA):c.594del (p.Ala199fs)

Gene: XPA (XPA, DNA damage recognition and repair factor; minus strand). Cytogenetic location: 9q22.33.
Variant type: Deletion.
Coding change: c.594del on transcript NM_000380.4 (MANE Select); coding-DNA position 594, one base deleted (A; older notation c.594delA).
Protein change: p.Ala199fs; shifts the reading frame from alanine 199.
Molecular consequence: frameshift variant. On other transcripts: non-coding transcript variant (5).
Genome position (GRCh38, 1-based): chr9:97,685,002, T deleted on the plus strand (A on the coding strand, the reverse complement: XPA is on the minus strand); the first of 2 consecutive T bases (chr9:97,685,002-97,685,003); deleting either gives the same sequence. VCF-style (leftmost placement, unchanged base first): chr9-97685001-CT-C. GRCh37 (hg19) VCF-style: chr9-100447283-CT-C.
Other names: c.468del, p.Ala157fs (NM_001354975.2); short protein forms A157fs, A199fs.
Identifiers: ClinVar variation 5004381 (VCV005004381.1).
Genomic context (GRCh38, chr9:97,685,001, plus strand): 5'-ATTTCTTCTGTTTCATTTTTTCTCGGTTTTCCTGTCGGACTTCCTTTGCTTCTTCTAATG[CT>C]TCTTGACTACCCCAAACTTCAAGAGACCTCTTCACAATCTACAACACAAAATCCATATTT-3'

ClinVar aggregate classification (germline): Pathogenic (1 of 4 stars; one submission).

Conditions:
Xeroderma pigmentosum group A (XPA). Also called: XPA-Related Xeroderma Pigmentosum; Xeroderma pigmentosum, complementation group A; XP, group A. Identifiers: Orphanet 910, MedGen C0268135, MONDO:0010210, OMIM 278700.

Submission:

Myriad Genetics, Inc.
Classification: Pathogenic for Xeroderma pigmentosum group A. Last evaluated: 2026-01-13. Review status: criteria provided, single submitter. Criteria: Myriad Autosomal Dominant, Autosomal Recessive and X-Linked Classification Criteria (2023). Collection method: clinical testing. Allele origin: unknown.
Comment: NM_000380.3(XPA):c.594delA(A199Hfs*2) is a frameshift variant classified as pathogenic in the context of xeroderma pigmentosum group A. A199Hfs*2 has not been observed in cases with relevant disease. Relevant functional assessments of this variant are not available in the literature. A199Hfs*2 has not been observed in referenced population frequency databases. In summary, NM_000380.3(XPA):c.594delA(A199Hfs*2) is a frameshift variant in a gene where loss of function is a known mechanism of disease, is predicted to disrupt protein function, and has been observed more frequently in cases with the relevant disease than in healthy populations. Please note: this variant was assessed in the context of healthy population screening.